The following is an entry in ClinVar:

ClinVar aggregate classification (germline): Uncertain significance (1 of 4 stars; one submission).

gnomAD v4.1: 9 of 1,613,978 alleles (0.00056%); highest among the groups gnomAD compares: African/African-American, 0.0053%; no homozygotes.

Submission:

Labcorp Genetics (formerly Invitae), Labcorp
Classification: Uncertain significance. Last evaluated: 2025-02-06. Review status: criteria provided, single submitter. Criteria: Invitae Variant Classification Sherloc (09022015). Collection method: clinical testing. Allele origin: germline.
Comment: This sequence change replaces valine, which is neutral and non-polar, with isoleucine, which is neutral and non-polar, at codon 498 of the ACACA protein (p.Val498Ile). This variant is present in population databases (no rsID available, gnomAD 0.007%). This variant has not been reported in the literature in individuals affected with ACACA-related conditions. An algorithm developed to predict the effect of missense changes on protein structure and function (PolyPhen-2) suggests that this variant is likely to be tolerated. In summary, the available evidence is currently insufficient to determine the role of this variant in disease. Therefore, it has been classified as a Variant of Uncertain Significance.

NM_198834.3(ACACA):c.1603G>A (p.Val535Ile)

Gene: ACACA (acetyl-CoA carboxylase alpha; minus strand). Cytogenetic location: 17q12.
Variant type: single nucleotide variant.
Coding change: c.1603G>A on transcript NM_198834.3 (MANE Select); coding-DNA position 1603, G replaced by A.
Protein change: p.Val535Ile; replaces valine 535 with isoleucine.
Molecular consequence: missense variant.
Genome position (GRCh38, 1-based): chr17:37,258,271, C>T on the plus strand (G>A on the coding strand, the complement: ACACA is on the minus strand). VCF-style: chr17-37258271-C-T. GRCh37 (hg19) VCF-style: chr17-35615193-C-T.
Other names: c.1492G>A, p.Val498Ile (NM_198836.3, NM_198839.3); c.1318G>A, p.Val440Ile (NM_198837.2); c.1258G>A, p.Val420Ile (NM_198838.2); short protein forms V420I, V498I, V440I, V535I.
Identifiers: ClinVar variation 4762549 (VCV004762549.1).
Genomic context (GRCh38, chr17:37,258,271, plus strand): 5'-CCTCATCTGGATTTTCACTAGTGATCCGAGCAGCAATAACATGGCCCCTTGGACAAGGAA[C>T]GTGTGCAGAATCTTCAAAATCAATGGGAGAATCACCCCAGGGAGATACCCCATACATCAT-3'
Protein context (NP_942131.1, residues 525-545): SPIDFEDSAH[Val535Ile]PCPRGHVIAA